The following is an entry in ClinVar:

ClinVar aggregate classification (germline): Benign/Likely benign. Review status: criteria provided, multiple submitters, no conflicts (2 of 4 stars). 6 submissions from 6 submitters: Benign (5); Likely benign (1). Last evaluated 2026-09-01.

Conditions:
Microcytic anemia. Identifiers: MedGen C5194182, MONDO:0001245, HP:0001935. Disease mechanism: loss of function.

Allele frequency attached by ClinVar (database versions not stated): 1000 Genomes Project 30x 0.00484; 1000 Genomes Project 0.00499; TOPMed 0.00699; gnomAD exomes 0.00718 and 0.00893; ExAC 0.00744; gnomAD 0.00748 and 0.00779; ESP Exome Variant Server 0.00800.
gnomAD v4.1: 14,074 of 1,613,446 alleles (0.87%); highest among the groups gnomAD compares: Non-Finnish European, 1%; 86 homozygotes.

Submissions (6):

CeGaT Center for Human Genetics Tuebingen
Classification: Benign. Last evaluated: 2026-09-01. Review status: criteria provided, single submitter. Criteria: CeGaT Center For Human Genetics Tuebingen Variant Classification Criteria Version 2. Collection method: clinical testing. Allele origin: germline. Affected: yes. Observed: 11 variant alleles.
Comment: TMPRSS6: BP4, BP7, BS1, BS2

Labcorp Genetics (formerly Invitae), Labcorp
Classification: Benign. Last evaluated: 2026-01-19. Review status: criteria provided, single submitter. Criteria: Invitae Variant Classification Sherloc (09022015). Collection method: clinical testing. Allele origin: germline.

Mayo Clinic Laboratories, Mayo Clinic
Classification: Benign. Last evaluated: 2025-10-28. Review status: criteria provided, single submitter. Criteria: ACMG Guidelines, 2015. Collection method: clinical testing. Allele origin: germline. Observed: 12 variant alleles.
Comment: BS1, BS2, BP4, BP7

Blueprint Genetics
Classification: Likely benign. Last evaluated: 2024-11-28. Review status: criteria provided, single submitter. Criteria: ACMG Guidelines, 2015. Collection method: clinical testing. Allele origin: germline.

Illumina Laboratory Services, Illumina
Classification: Benign for Iron-refractory iron deficiency anemia. Last evaluated: 2018-01-13. Review status: criteria provided, single submitter. Criteria: ICSL Variant Classification Criteria 13 December 2019. Collection method: clinical testing. Allele origin: germline.
Comment: This variant was observed in the ICSL laboratory as part of a predisposition screen in an ostensibly healthy population. It had not been previously curated by ICSL or reported in the Human Gene Mutation Database (HGMD: prior to June 1st, 2018), and was therefore a candidate for classification through an automated scoring system. Utilizing variant allele frequency, disease prevalence and penetrance estimates, and inheritance mode, an automated score was calculated to assess if this variant is too frequent to cause the disease. Based on the score and internal cut-off values, a variant classified as benign is not then subjected to further curation. The score for this variant resulted in a classification of benign for this disease.

Breakthrough Genomics
Classification: Benign. Review status: criteria provided, single submitter. Criteria: ACMG Guidelines, 2015. Collection method: not provided. Allele origin: germline. Inheritance: Autosomal recessive inheritance. Affected: yes.

NM_001374504.1(TMPRSS6):c.1800C>T (p.Asp600=)

Gene: TMPRSS6 (transmembrane serine protease 6; minus strand). Cytogenetic location: 22q12.3.
Variant type: single nucleotide variant.
Coding change: c.1800C>T on transcript NM_001374504.1 (MANE Select); coding-DNA position 1800, C replaced by T.
Protein change: p.Asp600=; no amino-acid change (aspartic acid 600 retained).
Molecular consequence: synonymous variant.
Genome position (GRCh38, 1-based): chr22:37,070,525, G>A on the plus strand (C>T on the coding strand, the complement: TMPRSS6 is on the minus strand). VCF-style: chr22-37070525-G-A. GRCh37 (hg19) VCF-style: chr22-37466565-G-A.
Other names: p.Asp609=; c.1800C>T, p.Asp600= (NM_001289000.2, NM_001289001.2, NM_153609.4).
Identifiers: ClinVar variation 782755 (VCV000782755.40), dbSNP rs145814440, ClinGen allele CA10215468.
Genomic context (GRCh38, chr22:37,070,525, plus strand): 5'-CCCACACCCTCCCGCTCACCTGTCCTCCTGGAAGCAGTGGGCAGCTGTTATCACCCAGCG[G>A]TCAGCGATGAGGGCCCCCCCACAGATGTGTCGACCCCGAACCTGGAGGCTGGCCTGCCAT-3'
Protein context (NP_001361433.1, residues 590-610): RHICGGALIA[Asp600=]RWVITAAHCF